The following is an entry in ClinVar:

ClinVar aggregate classification (germline): Likely pathogenic. Review status: criteria provided, multiple submitters, no conflicts (2 of 4 stars). 2 submissions from 2 submitters: Likely pathogenic (2). Last evaluated 2025-10-30.

Conditions:
Neuronopathy, distal hereditary motor, type 7A. Also called: HARPER-YOUNG MYOPATHY; HMN VIIA; NEURONOPATHY, DISTAL HEREDITARY MOTOR, HARDING TYPE VIIA; NEUROPATHY, DISTAL HEREDITARY MOTOR, HARDING TYPE VIIA; Neuronopathy, distal hereditary motor, autosomal dominant 7; Neuronopathy, distal hereditary motor, type viia. Identifiers: Orphanet 139589, MedGen C1834703, MONDO:0008024, OMIM 158580.
Congenital myasthenic syndrome 20. Also called: Myasthenic syndrome, congenital, 20, presynaptic. Identifiers: MedGen C4310694, MONDO:0014939, OMIM 617143.

Allele frequency attached by ClinVar (database versions not stated): gnomAD exomes below 0.00001.
gnomAD v4.1: 1 of 1,613,732 alleles (0.000062%); highest among the groups gnomAD compares: Non-Finnish European, 0.000085%; no homozygotes.

Submissions (2):

Women's Health and Genetics/Laboratory Corporation of America, LabCorp
Classification: Likely pathogenic for Congenital myasthenic syndrome 20. Last evaluated: 2025-10-30. Review status: criteria provided, single submitter. Criteria: LabCorp Variant Classification Summary - May 2015. Collection method: clinical testing. Allele origin: germline.
Comment: Variant summary: SLC5A7 c.895+1G>C is located in a canonical splice-site and is predicted to affect mRNA splicing resulting in a significantly altered protein due to either exon skipping, shortening, or inclusion of intronic material. Variants that disrupt the consensus splice site are a relatively common cause of aberrant splicing and loss of SLC5A7 function. Several computational tools predict a significant impact on normal splicing: Four predict the variant abolishes a 5' splicing donor site. However, these predictions have yet to be confirmed by functional studies. The variant was absent in 251220 control chromosomes. To our knowledge, no occurrence of c.895+1G>C in individuals affected with SLC5A7-related conditions and no experimental evidence demonstrating its impact on protein function have been reported. ClinVar contains an entry for this variant (Variation ID: 1027324). To our knowledge, this variant has not been reported in individuals with autosomal dominant SLC5A7-related conditions. Based on the evidence outlined above, the variant was classified as likely pathogenic for autosomal recessive congenital myasthenic syndrome.

Labcorp Genetics (formerly Invitae), Labcorp
Classification: Likely pathogenic for Neuronopathy, distal hereditary motor, type 7A; Congenital myasthenic syndrome 20. Last evaluated: 2025-03-07. Review status: criteria provided, single submitter. Criteria: Invitae Variant Classification Sherloc (09022015). Collection method: clinical testing. Allele origin: germline.
Comment: This sequence change affects a donor splice site in intron 7 of the SLC5A7 gene. It is expected to disrupt RNA splicing. Variants that disrupt the donor or acceptor splice site typically lead to a loss of protein function (PMID: 16199547), and loss-of-function variants in SLC5A7 are known to be pathogenic (PMID: 15173594, 27569547, 39135055). This variant is not present in population databases (gnomAD no frequency). This variant has not been reported in the literature in individuals affected with SLC5A7-related conditions. ClinVar contains an entry for this variant (Variation ID: 1027324). Algorithms developed to predict the effect of sequence changes on RNA splicing suggest that this variant may disrupt the consensus splice site. In summary, the currently available evidence indicates that the variant is pathogenic, but additional data are needed to prove that conclusively. Therefore, this variant has been classified as Likely Pathogenic.

Literature cited by the submitters: PubMed 22941189 (cited by Women's Health and Genetics/Laboratory Corporation of America, LabCorp); PubMed 16199547 (cited by Labcorp Genetics (formerly Invitae), Labcorp); PubMed 15173594 (cited by Labcorp Genetics (formerly Invitae), Labcorp); PubMed 27569547 (cited by Labcorp Genetics (formerly Invitae), Labcorp); PubMed 39135055 (cited by Labcorp Genetics (formerly Invitae), Labcorp).

NM_021815.5(SLC5A7):c.895+1G>C

Gene: SLC5A7 (solute carrier family 5 member 7; plus strand). Cytogenetic location: 2q12.3.
Variant type: single nucleotide variant.
Coding change: c.895+1G>C on transcript NM_021815.5 (MANE Select); the canonical splice donor site of the intron after coding-DNA position 895, G replaced by C.
Molecular consequence: splice donor variant.
Genome position (GRCh38, 1-based): chr2:108,006,203, G>C. VCF-style: chr2-108006203-G-C. GRCh37 (hg19) VCF-style: chr2-108622659-G-C.
Other names: c.154+1G>C (NM_001305007.3); c.895+1G>C (NM_001305005.3); c.580+1G>C (NM_001305006.3).
Identifiers: ClinVar variation 1027324 (VCV001027324.6), dbSNP rs1678115852, ClinGen allele CA348113363.